The following is an entry in ClinVar:

ClinVar aggregate classification (germline): Uncertain significance. Review status: criteria provided, multiple submitters, no conflicts (2 of 4 stars). 2 submissions from 2 submitters: Uncertain significance (2). Last evaluated 2022-06-28.

Conditions:
Inborn genetic diseases. Identifiers: MedGen C0950123, MeSH D030342.

Allele frequency attached by ClinVar (database versions not stated): ExAC 0.00001; gnomAD exomes 0.00001; TOPMed 0.00003.
gnomAD v4.1: 4 of 1,590,932 alleles (0.00025%); highest among the groups gnomAD compares: Admixed American, 0.0067%; no homozygotes.

Submissions (2):

Labcorp Genetics (formerly Invitae), Labcorp
Classification: Uncertain significance. Last evaluated: 2022-06-28. Review status: criteria provided, single submitter. Criteria: Invitae Variant Classification Sherloc (09022015). Collection method: clinical testing. Allele origin: germline.
Comment: This sequence change replaces isoleucine, which is neutral and non-polar, with threonine, which is neutral and polar, at codon 232 of the PCDH15 protein (p.Ile232Thr). This variant is present in population databases (rs762653431, gnomAD 0.009%). This variant has not been reported in the literature in individuals affected with PCDH15-related conditions. Algorithms developed to predict the effect of missense changes on protein structure and function are either unavailable or do not agree on the potential impact of this missense change (SIFT: "Deleterious"; PolyPhen-2: "Possibly Damaging"; Align-GVGD: "Class C0"). In summary, the available evidence is currently insufficient to determine the role of this variant in disease. Therefore, it has been classified as a Variant of Uncertain Significance.

Ambry Genetics
Classification: Uncertain significance for Inborn genetic diseases. Last evaluated: 2021-07-09. Review status: criteria provided, single submitter. Criteria: Ambry Variant Classification Scheme 2023. Collection method: clinical testing. Allele origin: germline.

NM_001384140.1(PCDH15):c.695T>C (p.Ile232Thr)

Gene: PCDH15 (protocadherin related 15; minus strand). Cytogenetic location: 10q21.1.
Variant type: single nucleotide variant.
Coding change: c.695T>C on transcript NM_001384140.1 (MANE Select); coding-DNA position 695, T replaced by C.
Protein change: p.Ile232Thr; replaces isoleucine 232 with threonine.
Molecular consequence: missense variant. On other transcripts: intron variant (1).
Genome position (GRCh38, 1-based): chr10:54,329,606, A>G on the plus strand (T>C on the coding strand, the complement: PCDH15 is on the minus strand). VCF-style: chr10-54329606-A-G. GRCh37 (hg19) VCF-style: chr10-56089366-A-G.
Other names: c.710T>C, p.Ile237Thr (NM_001142763.2, NM_001142769.4, NM_001142771.2); c.695T>C, p.Ile232Thr (NM_001142764.2, NM_001142765.2, NM_001142766.2 and 7 more transcripts); c.629T>C, p.Ile210Thr (NM_001142768.2, NM_001142773.2, NM_001354404.2); c.595-12165T>C (NM_001142767.2); short protein forms I232T, I210T, I237T.
Identifiers: ClinVar variation 2175631 (VCV002175631.2), dbSNP rs762653431, ClinGen allele CA5506624.
Genomic context (GRCh38, chr10:54,329,606, plus strand): 5'-TTTTACTTCATAAATTCACAGAAGAAATTTAAAAGAAATTGAATACTCACATTAGCTTGG[A>G]TTATGACAAAGTAGCGAGTCTTATCTTCATAGTTGAGCCTCTTCCTTAACACTATATTTC-3'
Protein context (NP_001371069.1, residues 222-242): YEDKTRYFVI[Ile232Thr]QANDRAQNLN